The following is an entry in ClinVar:

NM_024426.6(WT1):c.269C>T (p.Ser90Phe)

Genes: WT1 (WT1 transcription factor; minus strand), LOC107982234 (WT1/WT1-AS bi-directional promoter region; plus strand). Cytogenetic location: 11p13.
Variant type: single nucleotide variant.
Coding change: c.269C>T on transcript NM_024426.6 (MANE Select); coding-DNA position 269, C replaced by T.
Protein change: p.Ser90Phe; replaces serine 90 with phenylalanine.
Molecular consequence: missense variant. On other transcripts: non-coding transcript variant (1).
Genome position (GRCh38, 1-based): chr11:32,435,092, G>A on the plus strand (C>T on the coding strand, the complement: WT1 is on the minus strand). VCF-style: chr11-32435092-G-A. GRCh37 (hg19) VCF-style: chr11-32456638-G-A.
Other names: c.269C>T, p.Ser90Phe (NM_000378.6, NM_024424.5); short protein forms S90F.
Identifiers: ClinVar variation 943840 (VCV000943840.10), dbSNP rs1853464700, ClinGen allele CA379966032.

ClinVar aggregate classification (germline): Uncertain significance (1 of 4 stars; one submission).

Conditions:
Drash syndrome (DDS). Also called: NEPHROPATHY, WILMS TUMOR, AND GENITAL ANOMALIES; WILMS TUMOR AND PSEUDO- OR TRUE HERMAPHRODITISM. Identifiers: Orphanet 220, MedGen C0950121, MONDO:0008682, OMIM 194080.
Frasier syndrome. Identifiers: Orphanet 347, MedGen C0950122, MeSH D052159, MONDO:0007635, OMIM 136680.
Wilms tumor 1 (WT1). Also called: Wilms tumor, somatic. Identifiers: Orphanet 654, MedGen CN033288, MONDO:0008679, OMIM 194070.
11p partial monosomy syndrome (WAGR). Also called: CHROMOSOME 11p13 DELETION SYNDROME; WAGR Spectrum Disorder; WAGR syndrome; WAGR Complex. Identifiers: Orphanet 893, MedGen C0206115, MONDO:0008681, OMIM 194072.

Submission:

Labcorp Genetics (formerly Invitae), Labcorp
Classification: Uncertain significance for Wilms tumor 1; Drash syndrome; 11p partial monosomy syndrome; Frasier syndrome. Last evaluated: 2019-07-28. Review status: criteria provided, single submitter. Criteria: Invitae Variant Classification Sherloc (09022015). Collection method: clinical testing. Allele origin: germline.
Comment: In summary, the available evidence is currently insufficient to determine the role of this variant in disease. Therefore, it has been classified as a Variant of Uncertain Significance. Algorithms developed to predict the effect of missense changes on protein structure and function are either unavailable or do not agree on the potential impact of this missense change (SIFT: "Deleterious"; PolyPhen-2: "Possibly Damaging"; Align-GVGD: "Class C0"). This variant has not been reported in the literature in individuals with WT1-related conditions. The frequency data for this variant in the population databases is considered unreliable, as metrics indicate insufficient coverage at this position in the ExAC database. This sequence change replaces serine with phenylalanine at codon 85 of the WT1 protein (p.Ser85Phe). The serine residue is moderately conserved and there is a large physicochemical difference between serine and phenylalanine.